The following is an entry in ClinVar:

ClinVar aggregate classification (germline): Uncertain significance (1 of 4 stars; one submission).

Conditions:
Combined oxidative phosphorylation defect type 17. Also called: Combined oxidative phosphorylation deficiency 17. Identifiers: Orphanet 369913, MedGen C3809526, MONDO:0014190, OMIM 615440.

Allele frequency attached by ClinVar (database versions not stated): TOPMed 0.00001.
gnomAD v4.1: 1 of 1,612,398 alleles (0.000062%); highest among the groups gnomAD compares: Non-Finnish European, 0.000085%; no homozygotes.

Submission:

Labcorp Genetics (formerly Invitae), Labcorp
Classification: Uncertain significance for Combined oxidative phosphorylation defect type 17. Last evaluated: 2019-11-08. Review status: criteria provided, single submitter. Criteria: Invitae Variant Classification Sherloc (09022015). Collection method: clinical testing. Allele origin: germline.
Comment: This variant has not been reported in the literature in individuals with ELAC2-related conditions. Algorithms developed to predict the effect of missense changes on protein structure and function (SIFT, PolyPhen-2, Align-GVGD) all suggest that this variant is likely to be tolerated, but these predictions have not been confirmed by published functional studies and their clinical significance is uncertain. In summary, the available evidence is currently insufficient to determine the role of this variant in disease. Therefore, it has been classified as a Variant of Uncertain Significance. This variant is not present in population databases (ExAC no frequency). This sequence change replaces glycine with alanine at codon 71 of the ELAC2 protein (p.Gly71Ala). The glycine residue is moderately conserved and there is a small physicochemical difference between glycine and alanine.

NM_018127.7(ELAC2):c.212G>C (p.Gly71Ala)

Gene: ELAC2 (elaC ribonuclease Z 2; minus strand). Cytogenetic location: 17p12.
Variant type: single nucleotide variant.
Coding change: c.212G>C on transcript NM_018127.7 (MANE Select); coding-DNA position 212, G replaced by C.
Protein change: p.Gly71Ala; replaces glycine 71 with alanine.
Molecular consequence: missense variant.
Genome position (GRCh38, 1-based): chr17:13,017,736, C>G on the plus strand (G>C on the coding strand, the complement: ELAC2 is on the minus strand). VCF-style: chr17-13017736-C-G. GRCh37 (hg19) VCF-style: chr17-12921053-C-G.
Other names: c.212G>C, p.Gly71Ala (NM_001165962.2, NM_173717.2); short protein forms G71A.
Identifiers: ClinVar variation 969687 (VCV000969687.7), dbSNP rs1185274134, ClinGen allele CA398218945.